The following is an entry in ClinVar:

NM_005444.3(CNOT9):c.478ACA[1] (p.Thr161del)

Gene: CNOT9 (CCR4-NOT transcription complex subunit 9; plus strand). Cytogenetic location: 2q35.
Variant type: Microsatellite.
Coding change: c.478ACA[1] on transcript NM_005444.3 (MANE Select); one copy of the 3-base unit ACA starting at c.478; the reference has two copies in a row; one copy, 3 bases deleted.
Protein change: p.Thr161del; deletes threonine 161.
Molecular consequence: inframe deletion. On other transcripts: non-coding transcript variant (1).
Genome position (GRCh38, 1-based): chr2:218,587,636-218,587,638, ACA deleted; deleting any 3 consecutive bases within chr2:218,587,632-218,587,638 gives the same sequence; the position shown is the placement nearest the transcript's 3' end. VCF-style (leftmost placement, unchanged base first): chr2-218587631-TAAC-T. GRCh37 (hg19) VCF-style: chr2-219452354-TAAC-T.
Other names: c.574ACA[1], p.Thr193del (NM_001271634.2); c.478ACA[1], p.Thr161del (NM_001271635.2); short protein forms T161del, T193del.
Identifiers: ClinVar variation 4076859 (VCV004076859.1).

ClinVar aggregate classification (germline): Uncertain significance (1 of 4 stars; one submission).

Submission:

GeneDx
Classification: Uncertain significance. Last evaluated: 2025-02-25. Review status: criteria provided, single submitter. Criteria: GeneDx Variant Classification Process June 2021. Collection method: clinical testing. Allele origin: germline. Affected: yes.
Comment: Not observed at significant frequency in large population cohorts (gnomAD); In-frame deletion of 1 amino acid(s) in a non-repeat region; In silico analysis supports a deleterious effect on protein structure/function; Has not been previously published as pathogenic or benign to our knowledge